The following is an entry in ClinVar:

NM_003730.6(RNASET2):c.214A>G (p.Ser72Gly)

Gene: RNASET2 (ribonuclease T2; minus strand). Cytogenetic location: 6q27.
Variant type: single nucleotide variant.
Coding change: c.214A>G on transcript NM_003730.6 (MANE Select); coding-DNA position 214, A replaced by G.
Protein change: p.Ser72Gly; replaces serine 72 with glycine.
Molecular consequence: missense variant.
Genome position (GRCh38, 1-based): chr6:166,946,729, T>C on the plus strand (A>G on the coding strand, the complement: RNASET2 is on the minus strand). VCF-style: chr6-166946729-T-C. GRCh37 (hg19) VCF-style: chr6-167360217-T-C.
Other names: short protein forms S72G.
Identifiers: ClinVar variation 779640 (VCV000779640.15), dbSNP rs115956642, ClinGen allele CA4095108.

ClinVar aggregate classification (germline): Benign. Review status: criteria provided, multiple submitters, no conflicts (2 of 4 stars). 3 submissions from 3 submitters: Benign (2). 1 of the submissions does not count toward it. Last evaluated 2025-11-03.

Conditions:
Cystic leukoencephalopathy without megalencephaly. Identifiers: Orphanet 85136, MedGen C2751843, MONDO:0013058, OMIM 612951.
RNASET2-related disorder. Also called: RNASET2-related condition.

Allele frequency attached by ClinVar (database versions not stated): gnomAD 0.00200 and 0.00214; TOPMed 0.00221; 1000 Genomes Project 0.00260; 1000 Genomes Project 30x 0.00297; gnomAD exomes 0.00020 and 0.00050; ESP Exome Variant Server 0.00139; ExAC 0.00175.
gnomAD v4.1: 616 of 1,566,198 alleles (0.039%); highest among the groups gnomAD compares: African/African-American, 0.66%; 2 homozygotes.

Submissions (3):

Labcorp Genetics (formerly Invitae), Labcorp
Classification: Benign. Last evaluated: 2025-11-03. Review status: criteria provided, single submitter. Criteria: Invitae Variant Classification Sherloc (09022015). Collection method: clinical testing. Allele origin: germline.

Illumina Laboratory Services, Illumina
Classification: Benign for Cystic leukoencephalopathy without megalencephaly. Last evaluated: 2017-09-25. Review status: criteria provided, single submitter. Criteria: ICSL Variant Classification Criteria 13 December 2019. Collection method: clinical testing. Allele origin: germline.
Comment: This variant was observed as part of a predisposition screen in an ostensibly healthy population. A literature search was performed for the gene, cDNA change, and amino acid change (where applicable). No publications were found based on this search. Allele frequency data from public databases was too high to be consistent with this variant causing disease. Therefore, this variant is classified as benign.

PreventionGenetics, part of Exact Sciences
Classification: Likely benign for RNASET2-related condition. Last evaluated: 2019-09-24. Review status: no assertion criteria provided. Collection method: clinical testing. Allele origin: germline. Not counted in ClinVar's aggregate classification.
Comment: This variant is classified as likely benign based on ACMG/AMP sequence variant interpretation guidelines (Richards et al. 2015 PMID: 25741868, with internal and published modifications).